The following is an entry in ClinVar:

NM_001458.5(FLNC):c.799C>T (p.Pro267Ser)

Gene: FLNC (filamin C; plus strand). Cytogenetic location: 7q32.1.
Variant type: single nucleotide variant.
Coding change: c.799C>T on transcript NM_001458.5 (MANE Select); coding-DNA position 799, C replaced by T.
Protein change: p.Pro267Ser; replaces proline 267 with serine.
Molecular consequence: missense variant.
Genome position (GRCh38, 1-based): chr7:128,837,497, C>T. VCF-style: chr7-128837497-C-T. GRCh37 (hg19) VCF-style: chr7-128477551-C-T.
Other names: c.799C>T, p.Pro267Ser (NM_001127487.2); short protein forms P267S.
Identifiers: ClinVar variation 3761245 (VCV003761245.2).

ClinVar aggregate classification (germline): Uncertain significance (1 of 4 stars; one submission).

Conditions:
Hypertrophic cardiomyopathy 26. Also called: Cardiomyopathy, familial hypertrophic, 26. Identifiers: Orphanet 75249, MedGen C4310749, MONDO:0014883, OMIM 617047.
Distal myopathy with posterior leg and anterior hand involvement. Also called: WILLIAMS DISTAL MYOPATHY. Identifiers: Orphanet 63273, MedGen C3279722, MONDO:0013550, OMIM 614065.
Myofibrillar myopathy 5. Also called: Filaminopathy (type); FILAMINOPATHY, AUTOSOMAL DOMINANT. Identifiers: Orphanet 171445, MedGen C1836050, MONDO:0012289, OMIM 609524.

Submission:

Labcorp Genetics (formerly Invitae), Labcorp
Classification: Uncertain significance for Distal myopathy with posterior leg and anterior hand involvement; Myofibrillar myopathy 5; Hypertrophic cardiomyopathy 26. Last evaluated: 2024-09-17. Review status: criteria provided, single submitter. Criteria: Invitae Variant Classification Sherloc (09022015). Collection method: clinical testing. Allele origin: germline.
Comment: This sequence change replaces proline, which is neutral and non-polar, with serine, which is neutral and polar, at codon 267 of the FLNC protein (p.Pro267Ser). This variant is not present in population databases (gnomAD no frequency). This variant has not been reported in the literature in individuals affected with FLNC-related conditions. Invitae Evidence Modeling of protein sequence and biophysical properties (such as structural, functional, and spatial information, amino acid conservation, physicochemical variation, residue mobility, and thermodynamic stability) has been performed for this missense variant. However, the output from this modeling did not meet the statistical confidence thresholds required to predict the impact of this variant on FLNC protein function. In summary, the available evidence is currently insufficient to determine the role of this variant in disease. Therefore, it has been classified as a Variant of Uncertain Significance.